The following is an entry in ClinVar:

ClinVar aggregate classification (germline): Uncertain significance. Review status: criteria provided, multiple submitters, no conflicts (2 of 4 stars). 2 submissions from 2 submitters: Uncertain significance (2). Last evaluated 2024-02-06.

Allele frequency attached by ClinVar (database versions not stated): gnomAD exomes 0.00002; ExAC 0.00003; ESP Exome Variant Server 0.00015; gnomAD 0.00016; TOPMed 0.00018.
gnomAD v4.1: 65 of 1,613,940 alleles (0.004%); highest among the groups gnomAD compares: African/African-American, 0.055%; 1 homozygote.

Submissions (2):

GeneDx
Classification: Uncertain significance. Last evaluated: 2024-02-06. Review status: criteria provided, single submitter. Criteria: GeneDx Variant Classification Process June 2021. Collection method: clinical testing. Allele origin: germline. Affected: yes.
Comment: In silico analysis supports that this missense variant has a deleterious effect on protein structure/function; This variant is associated with the following publications: (PMID: 26077850)

Blueprint Genetics
Classification: Uncertain significance. Last evaluated: 2023-09-14. Review status: criteria provided, single submitter. Criteria: ACMG Guidelines, 2015. Collection method: clinical testing. Allele origin: germline.

NM_006580.4(CLDN16):c.329C>T (p.Pro110Leu)

Gene: CLDN16 (claudin 16; plus strand). Cytogenetic location: 3q28.
Variant type: single nucleotide variant.
Coding change: c.329C>T on transcript NM_006580.4 (MANE Select); coding-DNA position 329, C replaced by T.
Protein change: p.Pro110Leu; replaces proline 110 with leucine.
Molecular consequence: missense variant.
Genome position (GRCh38, 1-based): chr3:190,404,873, C>T. VCF-style: chr3-190404873-C-T. GRCh37 (hg19) VCF-style: chr3-190122662-C-T.
Other names: c.329C>T, p.Pro110Leu (NM_001378492.1, NM_001378493.1); short protein forms P110L.
Identifiers: ClinVar variation 1723853 (VCV001723853.4), dbSNP rs140829596, ClinGen allele CA2753832.